The following is an entry in ClinVar:

ClinVar aggregate classification (germline): Uncertain significance (1 of 4 stars; one submission).

Conditions:
Epidermodysplasia verruciformis. Identifiers: Orphanet 302, MedGen C0014522, MONDO:0009176.

Allele frequency attached by ClinVar (database versions not stated): gnomAD exomes below 0.00001; ExAC 0.00001; gnomAD 0.00001; 1000 Genomes Project 30x 0.00016; 1000 Genomes Project 0.00020.

Submission:

Labcorp Genetics (formerly Invitae), Labcorp
Classification: Uncertain significance for Epidermodysplasia verruciformis. Last evaluated: 2023-12-18. Review status: criteria provided, single submitter. Criteria: Invitae Variant Classification Sherloc (09022015). Collection method: clinical testing. Allele origin: germline.
Comment: This sequence change replaces serine, which is neutral and polar, with phenylalanine, which is neutral and non-polar, at codon 558 of the TMC8 protein (p.Ser558Phe). This variant is present in population databases (rs563497141, gnomAD 0.006%). This variant has not been reported in the literature in individuals affected with TMC8-related conditions. ClinVar contains an entry for this variant (Variation ID: 1431888). Advanced modeling of protein sequence and biophysical properties (such as structural, functional, and spatial information, amino acid conservation, physicochemical variation, residue mobility, and thermodynamic stability) performed at Invitae indicates that this missense variant is not expected to disrupt TMC8 protein function with a negative predictive value of 80%. In summary, the available evidence is currently insufficient to determine the role of this variant in disease. Therefore, it has been classified as a Variant of Uncertain Significance.

NM_152468.5(TMC8):c.1673C>T (p.Ser558Phe)

Gene: TMC8 (transmembrane channel like 8; plus strand). Cytogenetic location: 17q25.3.
Variant type: single nucleotide variant.
Coding change: c.1673C>T on transcript NM_152468.5 (MANE Select); coding-DNA position 1673, C replaced by T.
Protein change: p.Ser558Phe; replaces serine 558 with phenylalanine.
Molecular consequence: missense variant.
Genome position (GRCh38, 1-based): chr17:78,138,582, C>T. VCF-style: chr17-78138582-C-T. GRCh37 (hg19) VCF-style: chr17-76134663-C-T.
Other names: short protein forms S558F.
Identifiers: ClinVar variation 1431888 (VCV001431888.8), dbSNP rs563497141, ClinGen allele CA8796957.